The following is an entry in ClinVar:

ClinVar aggregate classification (germline): Pathogenic (1 of 4 stars; one submission).

Submission:

Labcorp Genetics (formerly Invitae), Labcorp
Classification: Pathogenic. Last evaluated: 2025-12-29. Review status: criteria provided, single submitter. Criteria: Invitae Variant Classification Sherloc (09022015). Collection method: clinical testing. Allele origin: germline.
Comment: This sequence change creates a premature translational stop signal (p.Pro639Glnfs*12) in the ACAN gene. It is expected to result in an absent or disrupted protein product. Loss-of-function variants in ACAN are known to be pathogenic (PMID: 16080123, 24762113). This variant is not present in population databases (gnomAD no frequency). This variant has not been reported in the literature in individuals affected with ACAN-related conditions. ClinVar contains an entry for this variant (Variation ID: 2808792). For these reasons, this variant has been classified as Pathogenic.

Literature cited by the submitters: PubMed 16080123; PubMed 24762113.

NM_001369268.1(ACAN):c.1916del (p.Pro639fs)

Gene: ACAN (aggrecan; plus strand). Cytogenetic location: 15q26.1.
Variant type: Deletion.
Coding change: c.1916del on transcript NM_001369268.1 (MANE Select); coding-DNA position 1916, one base deleted (C; older notation c.1916delC).
Protein change: p.Pro639fs; shifts the reading frame from proline 639.
Molecular consequence: frameshift variant.
Genome position (GRCh38, 1-based): chr15:88,849,621, C deleted; the last of 4 consecutive C bases (chr15:88,849,618-88,849,621); deleting any one gives the same sequence. VCF-style (leftmost placement, unchanged base first): chr15-88849617-AC-A. GRCh37 (hg19) VCF-style: chr15-89392848-AC-A.
Other names: c.1916del, p.Pro639fs (NM_001135.4, NM_001411096.1, NM_001411097.1 and 1 more transcripts); short protein forms P639fs.
Identifiers: ClinVar variation 2808792 (VCV002808792.3), dbSNP rs2505285386, ClinGen allele CA2739269702.